The following is an entry in ClinVar:

ClinVar aggregate classification (germline): Likely benign (1 of 4 stars; one submission).

Submission:

CeGaT Center for Human Genetics Tuebingen
Classification: Likely benign. Last evaluated: 2026-02-01. Review status: criteria provided, single submitter. Criteria: CeGaT Center For Human Genetics Tuebingen Variant Classification Criteria Version 2. Collection method: clinical testing. Allele origin: germline. Affected: yes. Observed: 1 variant allele.
Comment: ZNF699: BP4, BP7, BS1

NM_198535.3(ZNF699):c.612C>T (p.Phe204=)

Gene: ZNF699 (zinc finger protein 699; minus strand). Cytogenetic location: 19p13.2.
Variant type: single nucleotide variant.
Coding change: c.612C>T on transcript NM_198535.3 (MANE Select); coding-DNA position 612, C replaced by T.
Protein change: p.Phe204=; no amino-acid change (phenylalanine 204 retained).
Molecular consequence: synonymous variant.
Genome position (GRCh38, 1-based): chr19:9,296,792, G>A on the plus strand (C>T on the coding strand, the complement: ZNF699 is on the minus strand). VCF-style: chr19-9296792-G-A. GRCh37 (hg19) VCF-style: chr19-9407468-G-A.
Identifiers: ClinVar variation 4821451 (VCV004821451.4).